The following is an entry in ClinVar:

NM_138694.4(PKHD1):c.7400T>C (p.Leu2467Pro)

Gene: PKHD1 (PKHD1 ciliary IPT domain containing fibrocystin/polyductin; minus strand). Cytogenetic location: 6p12.2.
Variant type: single nucleotide variant.
Coding change: c.7400T>C on transcript NM_138694.4 (MANE Select); coding-DNA position 7400, T replaced by C.
Protein change: p.Leu2467Pro; replaces leucine 2467 with proline.
Molecular consequence: missense variant.
Genome position (GRCh38, 1-based): chr6:51,870,590, A>G on the plus strand (T>C on the coding strand, the complement: PKHD1 is on the minus strand). VCF-style: chr6-51870590-A-G. GRCh37 (hg19) VCF-style: chr6-51735388-A-G.
Other names: c.7400T>C, p.Leu2467Pro (NM_170724.3); short protein forms L2467P.
Identifiers: ClinVar variation 1709703 (VCV001709703.6), dbSNP rs552199185, ClinGen allele CA3851945.

ClinVar aggregate classification (germline): Uncertain significance. Review status: criteria provided, multiple submitters, no conflicts (2 of 4 stars). 3 submissions from 3 submitters: Uncertain significance (3). Last evaluated 2023-06-22.

Conditions:
Polycystic kidney disease 4 (PKD4). Also called: POLYCYSTIC KIDNEY DISEASE 4 WITH OR WITHOUT POLYCYSTIC LIVER DISEASE; POLYCYSTIC KIDNEY AND HEPATIC DISEASE 1; POLYCYSTIC KIDNEY DISEASE, INFANTILE, TYPE I; PKD3; Autosomal Recessive Polycystic Kidney Disease – PKHD1. Identifiers: MedGen C4540575, MONDO:0033004, OMIM 263200.

Allele frequency attached by ClinVar (database versions not stated): TOPMed below 0.00001; gnomAD 0.00001; ExAC 0.00002; gnomAD exomes 0.00002; 1000 Genomes Project 30x 0.00016; 1000 Genomes Project 0.00020.
gnomAD v4.1: 26 of 1,607,580 alleles (0.0016%); highest among the groups gnomAD compares: South Asian, 0.026%; 1 homozygote.

Submissions (3):

Neuberg Centre For Genomic Medicine, NCGM
Classification: Uncertain significance for Polycystic kidney disease 4. Last evaluated: 2023-06-22. Review status: criteria provided, single submitter. Criteria: ACMG Guidelines, 2015. Collection method: clinical testing. Allele origin: germline. Inheritance: Autosomal recessive inheritance. Affected: yes.
Comment: The missense variant c.7400T>C(p.Leu2467Pro) in the PKHD1 gene has not been reported previously as a pathogenic variant nor as a benign variant, to our knowledge. This variant is reported with the allele frequency (0.003%) in the gnomAD Exomes. This variant has been reported to the ClinVar database as Uncertain Significance. However, no details are available for independent assessment. The amino acid Leu at position 2467 is changed to a Pro changing protein sequence and it might alter its composition and physico-chemical properties. Multiple lines of computational evidence (Polyphen - Damaging, SIFT - Damaging and MutationTaster - Disease causing) predict a damaging effect on protein structure and function for this variant. The amino acid change p.Leu2467Pro in PKHD1 is predicted as conserved by GERP++ and PhyloP across 100 vertebrates. For these reasons, this variant has been classified as Uncertain Significance

MGZ Medical Genetics Center
Classification: Uncertain significance for Polycystic kidney disease 4. Last evaluated: 2022-07-20. Review status: criteria provided, single submitter. Criteria: ACMG Guidelines, 2015. Collection method: clinical testing. Allele origin: germline. Affected: yes. Observed: 1 variant allele.
Comment: ACMG criteria applied: PM2_SUP, PP3

Revvity Omics, Revvity
Classification: Uncertain significance for Polycystic kidney disease 4. Last evaluated: 2022-01-14. Review status: criteria provided, single submitter. Criteria: ACMG Guidelines, 2015. Collection method: clinical testing. Allele origin: germline.